The following is an entry in ClinVar:

ClinVar aggregate classification (germline): Likely benign. Review status: criteria provided, single submitter (1 of 4 stars). 2 submissions from 2 submitters: Likely benign (1). 1 of the submissions does not count toward it. Last evaluated 2018-04-04.

Conditions:
PER3-related disorder. Also called: PER3-related condition.

Allele frequency attached by ClinVar (database versions not stated): gnomAD exomes 0.00008 and 0.00024; ExAC 0.00037; gnomAD 0.00091; TOPMed 0.00110; ESP Exome Variant Server 0.00131; 1000 Genomes Project 0.00160; 1000 Genomes Project 30x 0.00187.
gnomAD v4.1: 267 of 1,600,520 alleles (0.017%); highest among the groups gnomAD compares: African/African-American, 0.31%; 1 homozygote.

Submissions (2):

Labcorp Genetics (formerly Invitae), Labcorp
Classification: Likely benign. Last evaluated: 2018-04-04. Review status: criteria provided, single submitter. Criteria: Invitae Variant Classification Sherloc (09022015). Collection method: clinical testing. Allele origin: germline.

PreventionGenetics, part of Exact Sciences
Classification: Likely benign for PER3-related condition. Last evaluated: 2019-03-29. Review status: no assertion criteria provided. Collection method: clinical testing. Allele origin: germline. Not counted in ClinVar's aggregate classification.
Comment: This variant is classified as likely benign based on ACMG/AMP sequence variant interpretation guidelines (Richards et al. 2015 PMID: 25741868, with internal and published modifications).

NM_001377275.1(PER3):c.2168C>T (p.Ala723Val)

Genes: PER3 (period circadian regulator 3; plus strand), LOC126805604 (CDK7 strongly-dependent group 2 enhancer GRCh37_chr1:7886590-7887789; plus strand). Cytogenetic location: 1p36.23.
Variant type: single nucleotide variant.
Coding change: c.2168C>T on transcript NM_001377275.1 (MANE Select); coding-DNA position 2168, C replaced by T.
Protein change: p.Ala723Val; replaces alanine 723 with valine.
Molecular consequence: missense variant.
Genome position (GRCh38, 1-based): chr1:7,826,690, C>T. VCF-style: chr1-7826690-C-T. GRCh37 (hg19) VCF-style: chr1-7886750-C-T.
Other names: c.2168C>T, p.Ala723Val (NM_001289861.2, NM_001289862.2); c.2147C>T, p.Ala716Val (NM_001289863.3, NM_001377276.1); c.1211C>T, p.Ala404Val (NM_001289864.3); c.2144C>T, p.Ala715Val (NM_016831.4); short protein forms A716V, A715V, A404V, A723V.
Identifiers: ClinVar variation 747223 (VCV000747223.5), dbSNP rs150960403, ClinGen allele CA568309.
Genomic context (GRCh38, chr1:7,826,690, plus strand): 5'-GAGAAAAGATCCTGTCATCACCCTACAGCTCCTATCTTCAGCAAGAAAGCAGGAGCAAAG[C>T]TAAATATTCATATTTTCAAGGTACGTAATTTTTTAAAAATAAATGCCATTAATCTATGTA-3'
Protein context (NP_001364204.1, residues 713-733): SYLQQESRSK[Ala723Val]KYSYFQGDST